The following is an entry in ClinVar:

ClinVar aggregate classification (germline): Pathogenic (1 of 4 stars; one submission).

Conditions:
Hypertrophic cardiomyopathy 26. Also called: Cardiomyopathy, familial hypertrophic, 26. Identifiers: Orphanet 75249, MedGen C4310749, MONDO:0014883, OMIM 617047.
Myofibrillar myopathy 5. Also called: Filaminopathy (type); FILAMINOPATHY, AUTOSOMAL DOMINANT. Identifiers: Orphanet 171445, MedGen C1836050, MONDO:0012289, OMIM 609524.
Distal myopathy with posterior leg and anterior hand involvement. Also called: WILLIAMS DISTAL MYOPATHY. Identifiers: Orphanet 63273, MedGen C3279722, MONDO:0013550, OMIM 614065.

Submission:

Labcorp Genetics (formerly Invitae), Labcorp
Classification: Pathogenic for Distal myopathy with posterior leg and anterior hand involvement; Myofibrillar myopathy 5; Hypertrophic cardiomyopathy 26. Last evaluated: 2022-08-09. Review status: criteria provided, single submitter. Criteria: Invitae Variant Classification Sherloc (09022015). Collection method: clinical testing. Allele origin: germline.
Comment: For these reasons, this variant has been classified as Pathogenic. This variant has not been reported in the literature in individuals affected with FLNC-related conditions. This variant is not present in population databases (gnomAD no frequency). This sequence change creates a premature translational stop signal (p.Ala993Leufs*11) in the FLNC gene. It is expected to result in an absent or disrupted protein product. Loss-of-function variants in FLNC are known to be pathogenic (PMID: 27908349).

Literature cited by the submitters: PubMed 27908349.

NM_001458.5(FLNC):c.2977del (p.Ala993fs)

Gene: FLNC (filamin C; plus strand). Cytogenetic location: 7q32.1.
Variant type: Deletion.
Coding change: c.2977del on transcript NM_001458.5 (MANE Select); coding-DNA position 2977, one base deleted (G; older notation c.2977delG).
Protein change: p.Ala993fs; shifts the reading frame from alanine 993.
Molecular consequence: frameshift variant.
Genome position (GRCh38, 1-based): chr7:128,844,051, G deleted; the last of 4 consecutive G bases (chr7:128,844,048-128,844,051); deleting any one gives the same sequence. VCF-style (leftmost placement, unchanged base first): chr7-128844047-AG-A. GRCh37 (hg19) VCF-style: chr7-128484101-AG-A.
Other names: c.2977del, p.Ala993fs (NM_001127487.2); short protein forms A993fs.
Identifiers: ClinVar variation 2045753 (VCV002045753.4), dbSNP rs2536635426, ClinGen allele CA2580076576.